The following is an entry in ClinVar:

NM_003922.4(HERC1):c.3845G>A (p.Cys1282Tyr)

Gene: HERC1 (HECT and RLD domain containing E3 ubiquitin protein ligase family member 1; minus strand). Cytogenetic location: 15q22.31.
Variant type: single nucleotide variant.
Coding change: c.3845G>A on transcript NM_003922.4 (MANE Select); coding-DNA position 3845, G replaced by A.
Protein change: p.Cys1282Tyr; replaces cysteine 1282 with tyrosine.
Molecular consequence: missense variant.
Genome position (GRCh38, 1-based): chr15:63,718,795, C>T on the plus strand (G>A on the coding strand, the complement: HERC1 is on the minus strand). VCF-style: chr15-63718795-C-T. GRCh37 (hg19) VCF-style: chr15-64010994-C-T.
Other names: short protein forms C1282Y.
Identifiers: ClinVar variation 4852293 (VCV004852293.1).

ClinVar aggregate classification (germline): Likely benign (1 of 4 stars; one submission).

Conditions:
Macrocephaly, dysmorphic facies, and psychomotor retardation (MDFPMR). Identifiers: Orphanet 457359, MedGen C4310766, MONDO:0014863, OMIM 617011.

gnomAD v4.1: 121 of 1,613,030 alleles (0.0075%); highest among the groups gnomAD compares: South Asian, 0.094%; 2 homozygotes.

Submission:

Centre for Medical Genetics,  Mumbai
Classification: Likely benign for Macrocephaly, dysmorphic facies, and psychomotor retardation. Last evaluated: 2026-05-06. Review status: criteria provided, single submitter. Criteria: ACMG Guidelines, 2015. Collection method: provider interpretation. Allele origin: germline. Inheritance: Autosomal recessive inheritance. Affected: no. Observed: 1 variant allele, 1 homozygote.
Comment: The variant satisfies PP2 criteria - missense variant in a gene with low rate of benign missense mutations and for which missense mutation is a common mechanism of a disease. The variant satisfies BS2 criteria - was observed in a homozygous state in population databases more than expected for disease. However, the variant satisfies BS2 criteria - present in homozygous state in an individual that clinically does not have Macrocephaly, dysmorphic facies, and psychomotor retardation.

Literature cited by the submitters: PubMed 26138117.